The following is an entry in ClinVar:

NM_001379403.1(WDR26):c.1022C>G (p.Thr341Arg)

Gene: WDR26 (WD repeat domain 26; minus strand). Cytogenetic location: 1q42.12.
Variant type: single nucleotide variant.
Coding change: c.1022C>G on transcript NM_001379403.1 (MANE Select); coding-DNA position 1022, C replaced by G.
Protein change: p.Thr341Arg; replaces threonine 341 with arginine.
Molecular consequence: missense variant.
Genome position (GRCh38, 1-based): chr1:224,424,560, G>C on the plus strand (C>G on the coding strand, the complement: WDR26 is on the minus strand). VCF-style: chr1-224424560-G-C. GRCh37 (hg19) VCF-style: chr1-224612262-G-C.
Other names: c.674C>G, p.Thr225Arg (NM_001115113.3); c.722C>G, p.Thr241Arg (NM_025160.7); short protein forms T225R, T241R, T341R.
Identifiers: ClinVar variation 3369444 (VCV003369444.2).

ClinVar aggregate classification (germline): Uncertain significance (1 of 4 stars; one submission).

Submission:

GeneDx
Classification: Uncertain significance. Last evaluated: 2026-07-21. Review status: criteria provided, single submitter. Criteria: GeneDx Variant Classification Process June 2021. Collection method: clinical testing. Allele origin: germline.
Comment: Not observed at significant frequency in large population cohorts (gnomAD); In silico analysis supports that this missense variant has a deleterious effect on protein structure/function; Has not been previously published as pathogenic or benign to our knowledge